The following is an entry in ClinVar:

ClinVar aggregate classification (germline): Likely benign (1 of 4 stars; one submission).

Conditions:
Leigh syndrome (NULS). Also called: Leigh's necrotizing encephalopathy; Leigh's disease; Leigh Syndrome (mtDNA deletion); Leigh Disease; Subacute necrotizing encephalopathy; Necrotizing encephalopathy infantile subacute of Leigh. Identifiers: Orphanet 506, MedGen C2931891, MONDO:0009723, OMIM 256000.

Submission:

Wong Mito Lab, Molecular and Human Genetics, Baylor College of Medicine
Classification: Likely benign for Leigh syndrome. Last evaluated: 2019-10-17. Review status: criteria provided, single submitter. Criteria: Modified ACMG Guidelines (Unpublished). Collection method: clinical testing. Allele origin: germline.
Comment: The NC_012920.1:m.3344T>C (YP_003024026.1:p.Ile13Thr) variant in MTND1 gene is interpretated to be a Likely Benign variant based on the modified ACMG guidelines (unpublished). This variant meets the following evidence codes: BP4, BP6

NC_012920.1(MT-ND1):m.3344T>C

Gene: MT-ND1 (mitochondrially encoded NADH dehydrogenase 1; plus strand).
Variant type: single nucleotide variant.
Genome position: chrM-3344-T-C.
Identifiers: ClinVar variation 692340 (VCV000692340.1), dbSNP rs1603218912, ClinGen allele CA414772582.